The following is an entry in ClinVar:

NM_001232.4(CASQ2):c.319+92G>A

Gene: CASQ2 (calsequestrin 2; minus strand). Cytogenetic location: 1p13.1.
Variant type: single nucleotide variant.
Coding change: c.319+92G>A on transcript NM_001232.4 (MANE Select); 92 bases into the intron after coding-DNA position 319, G replaced by A.
Molecular consequence: intron variant.
Genome position (GRCh38, 1-based): chr1:115,744,736, C>T on the plus strand (G>A on the coding strand, the complement: CASQ2 is on the minus strand). VCF-style: chr1-115744736-C-T. GRCh37 (hg19) VCF-style: chr1-116287357-C-T.
Identifiers: ClinVar variation 676578 (VCV000676578.1), dbSNP rs28730718, ClinGen allele CA29609648.
Genomic context (GRCh38, chr1:115,744,736, plus strand): 5'-CTCTTCTCCAACCAAAGATGAAGGTATGCAGGATCATTTTATATATTTTAAAAGATAGTC[C>T]GCTTATGCAAGAATAATTGCAACTGTACTTTTCCTTTTGCAAGACACATTCGTTTCTTTC-3'

ClinVar aggregate classification (germline): Likely benign (1 of 4 stars; one submission).

Allele frequency attached by ClinVar (database versions not stated): 1000 Genomes Project 30x 0.00703; TOPMed 0.00683; 1000 Genomes Project 0.00719.
gnomAD v4.1: 1,473 of 816,896 alleles (0.18%); highest among the groups gnomAD compares: African/African-American, 2.1%; 11 homozygotes.

Submission:

GeneDx
Classification: Likely benign. Last evaluated: 2018-06-16. Review status: criteria provided, single submitter. Criteria: GeneDx Variant Classification (06012015). Collection method: clinical testing. Allele origin: germline. Affected: yes.
Comment: This variant is considered likely benign or benign based on one or more of the following criteria: it is a conservative change, it occurs at a poorly conserved position in the protein, it is predicted to be benign by multiple in silico algorithms, and/or has population frequency not consistent with disease.